The following is an entry in ClinVar:

ClinVar aggregate classification (germline): Likely benign (1 of 4 stars; one submission).

Allele frequency attached by ClinVar (database versions not stated): 1000 Genomes Project 0.00260; 1000 Genomes Project 30x 0.00265; TOPMed 0.00391; ESP Exome Variant Server 0.00397.
gnomAD v4.1: 8,283 of 1,577,130 alleles (0.53%); highest among the groups gnomAD compares: Non-Finnish European, 0.62%; 25 homozygotes.

Submission:

CeGaT Center for Human Genetics Tuebingen
Classification: Likely benign. Last evaluated: 2026-07-01. Review status: criteria provided, single submitter. Criteria: CeGaT Center For Human Genetics Tuebingen Variant Classification Criteria Version 2. Collection method: clinical testing. Allele origin: germline. Affected: yes. Observed: 8 variant alleles.
Comment: ZSCAN10: BS2

NM_032805.3(ZSCAN10):c.2245G>T (p.Ala749Ser)

Gene: ZSCAN10 (zinc finger and SCAN domain containing 10; minus strand). Cytogenetic location: 16p13.3.
Variant type: single nucleotide variant.
Coding change: c.2245G>T on transcript NM_032805.3 (MANE Select); coding-DNA position 2245, G replaced by T.
Protein change: p.Ala749Ser; replaces alanine 749 with serine.
Molecular consequence: missense variant.
Genome position (GRCh38, 1-based): chr16:3,089,189, C>A on the plus strand (G>T on the coding strand, the complement: ZSCAN10 is on the minus strand). VCF-style: chr16-3089189-C-A. GRCh37 (hg19) VCF-style: chr16-3139190-C-A.
Other names: c.1063G>T, p.Ala355Ser (NM_001282415.2, NM_001365273.1); c.1834G>T, p.Ala612Ser (NM_001282416.2); c.1699G>T, p.Ala567Ser (NM_001365272.1); short protein forms A355S, A567S, A612S, A749S.
Identifiers: ClinVar variation 2646100 (VCV002646100.24), dbSNP rs185364182, ClinGen allele CA7857252.